The following is an entry in ClinVar:

NM_001754.5(RUNX1):c.709A>G (p.Arg237Gly)

Gene: RUNX1 (RUNX family transcription factor 1; minus strand). Cytogenetic location: 21q22.12.
Variant type: single nucleotide variant.
Coding change: c.709A>G on transcript NM_001754.5 (MANE Select); coding-DNA position 709, A replaced by G.
Protein change: p.Arg237Gly; replaces arginine 237 with glycine.
Molecular consequence: missense variant.
Genome position (GRCh38, 1-based): chr21:34,834,506, T>C on the plus strand (A>G on the coding strand, the complement: RUNX1 is on the minus strand). VCF-style: chr21-34834506-T-C. GRCh37 (hg19) VCF-style: chr21-36206803-T-C.
Other names: NM_001754.5(RUNX1):c.709A>G; p.Arg237Gly; c.628A>G, p.Arg210Gly (NM_001001890.3, NM_001122607.2); short protein forms R237G, R210G.
Identifiers: ClinVar variation 2694690 (VCV002694690.4), dbSNP rs2517040122, ClinGen allele CA410206852.
Genomic context (GRCh38, chr21:34,834,506, plus strand): 5'-TGGAGTGGTTCAGGGAGGCACGAGGGTTGGGCGTGGGGGCTGGGTGGTGTGGGCTGACCC[T>C]CATGGCTGTGCGCCGCAGCTGCTCCAGTTCACTGAGCCGCTCGGAAAAGGACAAGCTCCC-3'
Protein context (NP_001745.2, residues 227-247): ELEQLRRTAM[Arg237Gly]VSPHHPAPTP

ClinVar aggregate classification (germline): Uncertain significance. Review status: reviewed by expert panel (3 of 4 stars). 2 submissions from 2 submitters: Uncertain significance (1). 1 of the submissions does not count toward it. Last evaluated 2024-09-30.

Conditions:
Hereditary thrombocytopenia and hematologic cancer predisposition syndrome. Identifiers: Orphanet 71290, MedGen CN281654, MONDO:0011071.
Hereditary thrombocytopenia and hematological cancer predisposition syndrome associated with RUNX1. Also called: Familial Platelet Disorder with Propensity to Acute Myelogenous Leukemia; Familial thrombocytopenia with propensity to acute myelogenous leukemia; PLATELET DISORDER, ASPIRIN-LIKE; RUNX1 Familial Platelet Disorder with Associated Myeloid Malignancies. Identifiers: Orphanet 71290, MedGen C1832388, MeSH C563324, MONDO:0100083, OMIM 601399.

Submissions (2):

ClinGen Myeloid Malignancy Variant Curation Expert Panel
Classification: Uncertain significance for Hereditary thrombocytopenia and hematologic cancer predisposition syndrome. Last evaluated: 2024-09-30. Review status: reviewed by expert panel. Criteria: ClinGen MyeloMalig ACMG Specifications v2. Collection method: curation. Allele origin: germline. Inheritance: Autosomal dominant inheritance.
Comment: NM_001754.5(RUNX1):c.709A>G (p.Arg237Gly) is a missense variant which is completely absent from all population databases with at least 20x coverage for RUNX1 (PM2_Supporting). In summary, the clinical significance of this variant is uncertain. ACMG/AMP criteria applied, as specified by the Myeloid Malignancy Variant Curation Expert Panel for RUNX1: PM2_supporting.

Labcorp Genetics (formerly Invitae), Labcorp
Classification: Uncertain significance for Hereditary thrombocytopenia and hematological cancer predisposition syndrome associated with RUNX1. Last evaluated: 2023-11-10. Review status: criteria provided, single submitter. Criteria: Invitae Variant Classification Sherloc (09022015). Collection method: clinical testing. Allele origin: germline. Not counted in ClinVar's aggregate classification.
Comment: This sequence change replaces arginine, which is basic and polar, with glycine, which is neutral and non-polar, at codon 237 of the RUNX1 protein (p.Arg237Gly). This variant is not present in population databases (gnomAD no frequency). This variant has not been reported in the literature in individuals affected with RUNX1-related conditions. Advanced modeling of protein sequence and biophysical properties (such as structural, functional, and spatial information, amino acid conservation, physicochemical variation, residue mobility, and thermodynamic stability) performed at Invitae indicates that this missense variant is not expected to disrupt RUNX1 protein function with a negative predictive value of 80%. In summary, the available evidence is currently insufficient to determine the role of this variant in disease. Therefore, it has been classified as a Variant of Uncertain Significance.